The following is an entry in ClinVar:

ClinVar aggregate classification (germline): Uncertain significance. Review status: criteria provided, multiple submitters, no conflicts (2 of 4 stars). 2 submissions from 2 submitters: Uncertain significance (2). Last evaluated 2022-03-19.

Conditions:
Developmental and epileptic encephalopathy, 12 (DEE12). Identifiers: MedGen C3150988, MONDO:0013389, OMIM 613722.

Allele frequency attached by ClinVar (database versions not stated): gnomAD exomes below 0.00001 and 0.00001; ExAC 0.00001; TOPMed 0.00001.
gnomAD v4.1: 7 of 1,614,230 alleles (0.00043%); highest among the groups gnomAD compares: Non-Finnish European, 0.00059%; no homozygotes.

Submissions (2):

Labcorp Genetics (formerly Invitae), Labcorp
Classification: Uncertain significance for Developmental and epileptic encephalopathy, 12. Last evaluated: 2022-03-19. Review status: criteria provided, single submitter. Criteria: Invitae Variant Classification Sherloc (09022015). Collection method: clinical testing. Allele origin: germline.
Comment: This sequence change replaces proline, which is neutral and non-polar, with alanine, which is neutral and non-polar, at codon 136 of the PNKP protein (p.Pro136Ala). This variant is present in population databases (rs759530456, gnomAD 0.0009%). This variant has not been reported in the literature in individuals affected with PNKP-related conditions. ClinVar contains an entry for this variant (Variation ID: 206384). Algorithms developed to predict the effect of missense changes on protein structure and function (SIFT, PolyPhen-2, Align-GVGD) all suggest that this variant is likely to be tolerated. In summary, the available evidence is currently insufficient to determine the role of this variant in disease. Therefore, it has been classified as a Variant of Uncertain Significance.

GeneDx
Classification: Uncertain significance. Last evaluated: 2012-06-21. Review status: criteria provided, single submitter. Criteria: GeneDx Variant Classification (06012015). Collection method: clinical testing. Allele origin: germline. Affected: yes.
Comment: p.Pro136Ala (CCG>GCG): c.406 C>G in exon 4 of the PNKP gene (NM_007254.2) The Pro136Ala missense change has not been published as a mutation, nor has it been reported as a benign polymorphism to our knowledge. The NHLBI ESP Exome Variant Project has not identified Pro136Ala in approximately 5,000 individuals of European or African American ethnicity, indicating that it is not a common benign variant in these populations. Although both Proline and Alanine are uncharged, non-polar amino acids, the loss of a Proline residue may alter the secondary structure of the protein. However, Pro136Ala alters a position that is not conserved in PNKP or in related proteins, and mutations have not been previously published in this region of the protein. Additionally, multiple in silico algorithms predict Pro136Ala is likely not pathogenic. Therefore, based on the currently available information, it is unclear whether Pro136Ala is a disease-causing mutation or a rare benign variant. The variant is found in INFANT-EPI panel(s).

NM_007254.4(PNKP):c.406C>G (p.Pro136Ala)

Gene: PNKP (polynucleotide kinase 3'-phosphatase; minus strand). Cytogenetic location: 19q13.33.
Variant type: single nucleotide variant.
Coding change: c.406C>G on transcript NM_007254.4 (MANE Select); coding-DNA position 406, C replaced by G.
Protein change: p.Pro136Ala; replaces proline 136 with alanine.
Molecular consequence: missense variant.
Genome position (GRCh38, 1-based): chr19:49,865,219, G>C on the plus strand (C>G on the coding strand, the complement: PNKP is on the minus strand). VCF-style: chr19-49865219-G-C. GRCh37 (hg19) VCF-style: chr19-50368476-G-C.
Other names: p.P136A:CCG>GCG; short protein forms P136A.
Identifiers: ClinVar variation 206384 (VCV000206384.9), dbSNP rs759530456, ClinGen allele CA316448.